The following is an entry in ClinVar:

ClinVar aggregate classification (germline): Uncertain significance. Review status: criteria provided, multiple submitters, no conflicts (2 of 4 stars). 3 submissions from 3 submitters: Uncertain significance (2). 1 of the submissions does not count toward it. Last evaluated 2025-07-14.

Conditions:
TBX3-related disorder. Also called: TBX3-related condition.
Inborn genetic diseases. Identifiers: MedGen C0950123, MeSH D030342.

Allele frequency attached by ClinVar (database versions not stated): gnomAD 0.00001; TOPMed 0.00001.
gnomAD v4.1: 5 of 1,534,202 alleles (0.00033%); highest among the groups gnomAD compares: Middle Eastern, 0.054%; no homozygotes.

Submissions (3):

Ambry Genetics
Classification: Uncertain significance for Inborn genetic diseases. Last evaluated: 2025-07-14. Review status: criteria provided, single submitter. Criteria: Ambry Variant Classification Scheme 2023. Collection method: clinical testing. Allele origin: germline.

CeGaT Center for Human Genetics Tuebingen
Classification: Uncertain significance. Last evaluated: 2022-06-01. Review status: criteria provided, single submitter. Criteria: CeGaT Center For Human Genetics Tuebingen Variant Classification Criteria Version 2. Collection method: clinical testing. Allele origin: germline. Affected: yes. Observed: 1 variant allele.
Comment: TBX3: PM2, PP3

PreventionGenetics, part of Exact Sciences
Classification: Uncertain significance for TBX3-related condition. Last evaluated: 2024-06-10. Review status: no assertion criteria provided. Collection method: clinical testing. Allele origin: germline. Not counted in ClinVar's aggregate classification.
Comment: The TBX3 c.1455G>C variant is predicted to result in the amino acid substitution p.Gln485His. To our knowledge, this variant has not been reported in the literature. This variant is reported in 0.0023% of alleles in individuals of European (Non-Finnish) descent in gnomAD. At this time, the clinical significance of this variant is uncertain due to the absence of conclusive functional and genetic evidence.

NM_005996.4(TBX3):c.1395G>C (p.Gln465His)

Gene: TBX3 (T-box transcription factor 3; minus strand). Cytogenetic location: 12q24.21.
Variant type: single nucleotide variant.
Coding change: c.1395G>C on transcript NM_005996.4 (MANE Select); coding-DNA position 1395, G replaced by C.
Protein change: p.Gln465His; replaces glutamine 465 with histidine.
Molecular consequence: missense variant.
Genome position (GRCh38, 1-based): chr12:114,674,480, C>G on the plus strand (G>C on the coding strand, the complement: TBX3 is on the minus strand). VCF-style: chr12-114674480-C-G. GRCh37 (hg19) VCF-style: chr12-115112285-C-G.
Other names: c.1455G>C, p.Gln485His (NM_016569.4); c.1395G>C (NM_005996.3); c.1455G>C (NM_016569.3); short protein forms Q465H, Q485H.
Identifiers: ClinVar variation 2643357 (VCV002643357.25), dbSNP rs1286749643, ClinGen allele CA386869025.